The following is an entry in ClinVar:

ClinVar aggregate classification (germline): Uncertain significance (1 of 4 stars; one submission).

Conditions:
Hereditary cancer-predisposing syndrome. Also called: Neoplastic Syndromes, Hereditary; Tumor predisposition; Hereditary Cancer Syndrome; Hereditary neoplastic syndrome. Identifiers: Orphanet 140162, MedGen C0027672, MeSH D009386, MONDO:0015356.

Submission:

Ambry Genetics
Classification: Uncertain significance for Hereditary cancer-predisposing syndrome. Last evaluated: 2026-01-05. Review status: criteria provided, single submitter. Criteria: Ambry Variant Classification Scheme 2023. Collection method: clinical testing. Allele origin: germline.
Comment: The p.E586D variant (also known as c.1758G>C), located in coding exon 10 of the ATM gene, results from a G to C substitution at nucleotide position 1758. The glutamic acid at codon 586 is replaced by aspartic acid, an amino acid with highly similar properties. In an assay testing ATM function, this variant showed a functionally normal result (Lee KS et al. Cell, 2025 Sep;188:5081-5099.e27). This amino acid position is highly conserved in available vertebrate species. In addition, this alteration is predicted to be tolerated by in silico analysis. Based on the available evidence, the clinical significance of this variant remains unclear.

Literature cited by the submitters: PubMed 40580951.

NM_000051.4(ATM):c.1758G>C (p.Glu586Asp)

Gene: ATM (ATM serine/threonine kinase; plus strand). Cytogenetic location: 11q22.3.
Variant type: single nucleotide variant.
Coding change: c.1758G>C on transcript NM_000051.4 (MANE Select); coding-DNA position 1758, G replaced by C.
Protein change: p.Glu586Asp; replaces glutamic acid 586 with aspartic acid.
Molecular consequence: missense variant.
Genome position (GRCh38, 1-based): chr11:108,251,987, G>C. VCF-style: chr11-108251987-G-C. GRCh37 (hg19) VCF-style: chr11-108122714-G-C.
Other names: c.1758G>C, p.Glu586Asp (NM_001351834.2); short protein forms E586D.
Identifiers: ClinVar variation 4843911 (VCV004843911.1).